The following is an entry in ClinVar:

NC_000016.9:g.(?_9984823)_(10032428_?)del

Gene: GRIN2A (glutamate ionotropic receptor NMDA type subunit 2A; minus strand). Cytogenetic location: 16p13.2.
Variant type: Deletion.
Identifiers: ClinVar variation 2423417 (VCV002423417.7).

ClinVar aggregate classification (germline): Uncertain significance (1 of 4 stars; one submission).

Conditions:
Landau-Kleffner syndrome (FESD). Also called: EPILEPSY, FOCAL, WITH SPEECH DISORDER AND WITH OR WITHOUT MENTAL RETARDATION; APHASIA, ACQUIRED, WITH EPILEPSY. Identifiers: Orphanet 1945, Orphanet 725, Orphanet 98818, MedGen C0282512, MONDO:0009509, OMIM 245570.

Submission:

Labcorp Genetics (formerly Invitae), Labcorp
Classification: Uncertain significance for Landau-Kleffner syndrome. Last evaluated: 2023-05-04. Review status: criteria provided, single submitter. Criteria: Invitae Variant Classification Sherloc (09022015). Collection method: clinical testing. Allele origin: germline.
Comment: In summary, the available evidence is currently insufficient to determine the role of this variant in disease. Therefore, it has been classified as a Variant of Uncertain Significance. This variant disrupts a region of the GRIN2A protein in which other variant(s) (p.Arg370Gln) have been observed in individuals with GRIN2A-related conditions (Invitae). This suggests that this is a clinically significant region of the protein, and that variants that disrupt it are likely to be disease-causing. Experimental studies and prediction algorithms are not available or were not evaluated, and the functional significance of this variant is currently unknown. A similar copy number variant has been observed in individual(s) with clinical features of GRIN2A-related conditions (PMID: 30544257). This variant is a gross deletion of the genomic region encompassing exon(s) 4-5 of the GRIN2A gene. This variant would be expected to be in-frame, preserving the integrity of the reading frame.

Literature cited by the submitters: PubMed 30544257.